The following is an entry in ClinVar:

NM_004333.6(BRAF):c.1177+245_1177+247dup

Gene: BRAF (B-Raf proto-oncogene, serine/threonine kinase; minus strand). Cytogenetic location: 7q34.
Variant type: Duplication.
Coding change: c.1177+245_1177+247dup on transcript NM_004333.6 (MANE Select); bases 245 to 247 of the intron after coding-DNA position 1177, 3 bases duplicated (TTT; older notation c.1177+245_1177+247dupTTT).
Molecular consequence: intron variant.
Genome position (GRCh38, 1-based): chr7:140,787,301-140,787,303, AAA duplicated on the plus strand (TTT on the coding strand, the reverse complement: BRAF is on the minus strand); duplicating any 3 consecutive bases within chr7:140,787,301-140,787,324 gives the same sequence; the c. name uses the placement nearest the transcript's 3' end. VCF-style (leftmost placement, unchanged base first): chr7-140787300-C-CAAA. GRCh37 (hg19) VCF-style: chr7-140487100-C-CAAA.
Other names: c.1177+245_1177+247dup (NM_001374244.1, NM_001378474.1, NM_001378468.1 and 3 more transcripts); c.1021+245_1021+247dup (NM_001378473.1, NM_001378472.1); c.1075+245_1075+247dup (NM_001378470.1); c.913+245_913+247dup (NM_001378475.1); c.1141-4220_1141-4218dup (NM_001378471.1); c.1186+245_1186+247dup (NM_001378467.1).
Identifiers: ClinVar variation 1695212 (VCV001695212.31), dbSNP rs1199383417, ClinGen allele CA578390852.

ClinVar aggregate classification (germline): Likely benign (1 of 4 stars; one submission).

Submission:

CeGaT Center for Human Genetics Tuebingen
Classification: Likely benign. Last evaluated: 2024-05-01. Review status: criteria provided, single submitter. Criteria: CeGaT Center For Human Genetics Tuebingen Variant Classification Criteria Version 2. Collection method: clinical testing. Allele origin: germline. Affected: yes. Observed: 10 variant alleles.
Comment: BRAF: BS1